The following is an entry in ClinVar:

ClinVar aggregate classification (germline): Uncertain significance (1 of 4 stars; one submission).

gnomAD v4.1: 1 of 1,614,142 alleles (0.000062%); highest among the groups gnomAD compares: Non-Finnish European, 0.000085%; no homozygotes.

Submission:

GeneDx
Classification: Uncertain significance. Last evaluated: 2025-01-06. Review status: criteria provided, single submitter. Criteria: GeneDx Variant Classification Process June 2021. Collection method: clinical testing. Allele origin: germline. Affected: yes.
Comment: Not observed at significant frequency in large population cohorts (gnomAD); In silico analysis supports that this missense variant has a deleterious effect on protein structure/function; Has not been previously published as pathogenic or benign to our knowledge

NM_147191.1(MMP21):c.1297G>A (p.Gly433Arg)

Gene: MMP21 (matrix metallopeptidase 21; minus strand). Cytogenetic location: 10q26.2.
Variant type: single nucleotide variant.
Coding change: c.1297G>A on transcript NM_147191.1 (MANE Select); coding-DNA position 1297, G replaced by A.
Protein change: p.Gly433Arg; replaces glycine 433 with arginine.
Molecular consequence: missense variant.
Genome position (GRCh38, 1-based): chr10:125,767,645, C>T on the plus strand (G>A on the coding strand, the complement: MMP21 is on the minus strand). VCF-style: chr10-125767645-C-T. GRCh37 (hg19) VCF-style: chr10-127456214-C-T.
Other names: short protein forms G433R.
Identifiers: ClinVar variation 4056021 (VCV004056021.1).
Genomic context (GRCh38, chr10:125,767,645, plus strand): 5'-TGTCTAGGGGACTTGGGATGCCAGGAAATCCTTCTGAAATCAATTTGGGATAGCTTTTTC[C>T]TTGTTCATCTTCTGTGAGGGCCTGATCCTTGTCACTGTCATATCTCCAGTATTGATTTCC-3'
Protein context (NP_671724.1, residues 423-443): KDQALTEDEQ[Gly433Arg]KSYPKLISEG